The following is an entry in ClinVar:

ClinVar aggregate classification (germline): Pathogenic (1 of 4 stars; one submission).

Submission:

GeneDx
Classification: Pathogenic. Last evaluated: 2025-12-17. Review status: criteria provided, single submitter. Criteria: GeneDx Variant Classification Process June 2021. Collection method: clinical testing. Allele origin: germline.
Comment: Not observed at significant frequency in large population cohorts (gnomAD); In silico analysis supports that this missense variant has a deleterious effect on protein structure/function; This variant is associated with the following publications: (PMID: 23754559, 10541159, 24127277, 33726816, 31837199, 35591945, 8956050, 11781872, 29230096)

NM_000141.5(FGFR2):c.992A>T (p.Asn331Ile)

Gene: FGFR2 (fibroblast growth factor receptor 2; minus strand). Cytogenetic location: 10q26.13.
Variant type: single nucleotide variant.
Coding change: c.992A>T on transcript NM_000141.5 (MANE Select); coding-DNA position 992, A replaced by T.
Protein change: p.Asn331Ile; replaces asparagine 331 with isoleucine.
Molecular consequence: missense variant. On other transcripts: intron variant (7), non-coding transcript variant (1).
Genome position (GRCh38, 1-based): chr10:121,517,411, T>A on the plus strand (A>T on the coding strand, the complement: FGFR2 is on the minus strand). VCF-style: chr10-121517411-T-A. GRCh37 (hg19) VCF-style: chr10-123276925-T-A.
Other names: c.749-2092A>T (NM_001144914.1); c.820+1271A>T (NM_001441088.1, NM_001144919.2); c.939+2568A>T (NM_001144917.2); c.1087+1271A>T (NM_001441087.1, NM_022970.4, NM_001144913.1); c.725A>T, p.Asn242Ile (NM_001144915.2, NM_001441089.1, NM_023029.3); c.647A>T, p.Asn216Ile (NM_001144916.2, NM_001144918.2, NM_001441090.1 and 1 more transcripts); c.308A>T, p.Asn103Ile (NM_001320654.2); c.992A>T, p.Asn331Ile (NM_001320658.2); short protein forms N103I, N216I, N242I, N331I.
Identifiers: ClinVar variation 4530776 (VCV004530776.2).
Genomic context (GRCh38, chr10:121,517,411, plus strand): 5'-GATATCCCAATAGAATTACCCGCCAAGCACGTATATTCCCCAGCGTCCTCAAAAGTTACA[T>A]TCCGAATATAGAGAACCTCAATCTCTTTGTCCGTGGTGTTAACACCGGCGGCCTAGAAAA-3'
Protein context (NP_000132.3, residues 321-341): DKEIEVLYIR[Asn331Ile]VTFEDAGEYT